The following is an entry in ClinVar:

ClinVar aggregate classification (germline): Uncertain significance (1 of 4 stars; one submission).

Conditions:
Charcot-Marie-Tooth disease dominant intermediate B (CMTDIB). Also called: CHARCOT-MARIE-TOOTH NEUROPATHY, DOMINANT INTERMEDIATE B; Charcot-Marie-Tooth disease dominant intermediate 1; CMT DI1; Charcot-Marie-Tooth disease dominant intermediate I. Identifiers: Orphanet 100044, Orphanet 228179, MedGen C1847902, MONDO:0011674, OMIM 606482.

gnomAD v4.1: 1 of 1,614,180 alleles (0.000062%); highest among the groups gnomAD compares: Non-Finnish European, 0.000085%; no homozygotes.

Submission:

Labcorp Genetics (formerly Invitae), Labcorp
Classification: Uncertain significance for Charcot-Marie-Tooth disease dominant intermediate B. Last evaluated: 2024-10-18. Review status: criteria provided, single submitter. Criteria: Invitae Variant Classification Sherloc (09022015). Collection method: clinical testing. Allele origin: germline.
Comment: This sequence change replaces aspartic acid, which is acidic and polar, with glutamic acid, which is acidic and polar, at codon 215 of the DNM2 protein (p.Asp215Glu). This variant is not present in population databases (gnomAD no frequency). This variant has not been reported in the literature in individuals affected with DNM2-related conditions. ClinVar contains an entry for this variant (Variation ID: 649151). Invitae Evidence Modeling of protein sequence and biophysical properties (such as structural, functional, and spatial information, amino acid conservation, physicochemical variation, residue mobility, and thermodynamic stability) indicates that this missense variant is expected to disrupt DNM2 protein function with a positive predictive value of 80%. In summary, the available evidence is currently insufficient to determine the role of this variant in disease. Therefore, it has been classified as a Variant of Uncertain Significance.

NM_001005361.3(DNM2):c.645C>A (p.Asp215Glu)

Gene: DNM2 (dynamin 2; plus strand). Cytogenetic location: 19p13.2.
Variant type: single nucleotide variant.
Coding change: c.645C>A on transcript NM_001005361.3 (MANE Select); coding-DNA position 645, C replaced by A.
Protein change: p.Asp215Glu; replaces aspartic acid 215 with glutamic acid.
Molecular consequence: missense variant.
Genome position (GRCh38, 1-based): chr19:10,777,173, C>A. VCF-style: chr19-10777173-C-A. GRCh37 (hg19) VCF-style: chr19-10887849-C-A.
Other names: c.645C>A, p.Asp215Glu (NM_001005360.3, NM_001005362.3, NM_001190716.2 and 1 more transcripts); short protein forms D215E.
Identifiers: ClinVar variation 649151 (VCV000649151.8), dbSNP rs148900299, ClinGen allele CA404043411.